The following is an entry in ClinVar:

ClinVar aggregate classification (germline): Uncertain significance (1 of 4 stars; one submission).

Conditions:
Inborn genetic diseases. Identifiers: MedGen C0950123, MeSH D030342.

gnomAD v4.1: 1 of 1,614,034 alleles (0.000062%); highest among the groups gnomAD compares: Non-Finnish European, 0.000085%; no homozygotes.

Submission:

Ambry Genetics
Classification: Uncertain significance for Inborn genetic diseases. Last evaluated: 2024-12-08. Review status: criteria provided, single submitter. Criteria: Ambry Variant Classification Scheme 2023. Collection method: clinical testing. Allele origin: germline.
Comment: The p.L1075V variant (also known as c.3223C>G), located in coding exon 32 of the FANCA gene, results from a C to G substitution at nucleotide position 3223. The leucine at codon 1075 is replaced by valine, an amino acid with highly similar properties. This amino acid position is conserved. In addition, this alteration is predicted to be tolerated by in silico analysis. Based on the available evidence, the clinical significance of this variant remains unclear.

NM_000135.4(FANCA):c.3223C>G (p.Leu1075Val)

Gene: FANCA (FA complementation group A; minus strand). Cytogenetic location: 16q24.3.
Variant type: single nucleotide variant.
Coding change: c.3223C>G on transcript NM_000135.4 (MANE Select); coding-DNA position 3223, C replaced by G.
Protein change: p.Leu1075Val; replaces leucine 1075 with valine.
Molecular consequence: missense variant.
Genome position (GRCh38, 1-based): chr16:89,749,746, G>C on the plus strand (C>G on the coding strand, the complement: FANCA is on the minus strand). VCF-style: chr16-89749746-G-C. GRCh37 (hg19) VCF-style: chr16-89816154-G-C.
Other names: c.3223C>G, p.Leu1075Val (NM_001286167.3); short protein forms L1075V.
Identifiers: ClinVar variation 3512719 (VCV003512719.1).
Genomic context (GRCh38, chr16:89,749,746, plus strand): 5'-CTGCCCAGGTGGTGCTGCCCTGCCCAGGTGGTAGTAGGTGTTACCGTTTGTACATTAGCA[G>C]CTCCCTCTGTCTCTGAAGGCTGGCAGCCACGCTCCACCCGCTTGTCAGAGCCTGGAGCCG-3'
Protein context (NP_000126.2, residues 1065-1085): VAASLQRQRE[Leu1075Val]LMYKRILLRL